The following is an entry in ClinVar:

NM_014727.3(KMT2B):c.4177T>C (p.Cys1393Arg)

Gene: KMT2B (lysine methyltransferase 2B; plus strand). Cytogenetic location: 19q13.12.
Variant type: single nucleotide variant.
Coding change: c.4177T>C on transcript NM_014727.3 (MANE Select); coding-DNA position 4177, T replaced by C.
Protein change: p.Cys1393Arg; replaces cysteine 1393 with arginine.
Molecular consequence: missense variant.
Genome position (GRCh38, 1-based): chr19:35,727,497, T>C. VCF-style: chr19-35727497-T-C. GRCh37 (hg19) VCF-style: chr19-36218398-T-C.
Other names: short protein forms C1393R.
Identifiers: ClinVar variation 1067461 (VCV001067461.9), dbSNP rs2146455513, ClinGen allele CA405413345.

ClinVar aggregate classification (germline): Likely pathogenic (1 of 4 stars; one submission).

Submission:

Labcorp Genetics (formerly Invitae), Labcorp
Classification: Likely pathogenic. Last evaluated: 2017-08-31. Review status: criteria provided, single submitter. Criteria: Invitae Variant Classification Sherloc (09022015). Collection method: clinical testing. Allele origin: germline.
Comment: This sequence change replaces cysteine with arginine at codon 1393 of the KMT2B protein (p.Cys1393Arg). The cysteine residue is highly conserved and there is a large physicochemical difference between cysteine and arginine. This variant is not present in population databases (ExAC no frequency). Algorithms developed to predict the effect of missense changes on protein structure and function do not agree on the potential impact of this missense change (SIFT: "Deleterious"; PolyPhen-2: "Probably Damaging"; Align-GVGD: "Class C0"). In summary, the currently available evidence indicates that the variant is pathogenic, but additional data are needed to prove that conclusively. Therefore, this variant has been classified as Likely Pathogenic.